The following is an entry in ClinVar:

ClinVar aggregate classification (germline): Uncertain significance (1 of 4 stars; one submission).

Submission:

Labcorp Genetics (formerly Invitae), Labcorp
Classification: Uncertain significance. Last evaluated: 2024-03-07. Review status: criteria provided, single submitter. Criteria: Invitae Variant Classification Sherloc (09022015). Collection method: clinical testing. Allele origin: germline.
Comment: This sequence change replaces glutamine, which is neutral and polar, with histidine, which is basic and polar, at codon 214 of the MSH3 protein (p.Gln214His). This variant is not present in population databases (gnomAD no frequency). This variant has not been reported in the literature in individuals affected with MSH3-related conditions. ClinVar contains an entry for this variant (Variation ID: 999092). An algorithm developed to predict the effect of missense changes on protein structure and function (PolyPhen-2) suggests that this variant is likely to be tolerated. In summary, the available evidence is currently insufficient to determine the role of this variant in disease. Therefore, it has been classified as a Variant of Uncertain Significance.

NM_002439.5(MSH3):c.642G>C (p.Gln214His)

Gene: MSH3 (mutS homolog 3; plus strand). Cytogenetic location: 5q14.1.
Variant type: single nucleotide variant.
Coding change: c.642G>C on transcript NM_002439.5 (MANE Select); coding-DNA position 642, G replaced by C.
Protein change: p.Gln214His; replaces glutamine 214 with histidine.
Molecular consequence: missense variant.
Genome position (GRCh38, 1-based): chr5:80,670,159, G>C. VCF-style: chr5-80670159-G-C. GRCh37 (hg19) VCF-style: chr5-79965978-G-C.
Other names: short protein forms Q214H.
Identifiers: ClinVar variation 999092 (VCV000999092.8), dbSNP rs1749671763, ClinGen allele CA360266563.